The following is an entry in ClinVar:

ClinVar aggregate classification (germline): Pathogenic (1 of 4 stars; one submission).

Conditions:
Inborn genetic diseases. Identifiers: MedGen C0950123, MeSH D030342.

Submission:

Ambry Genetics
Classification: Pathogenic for Inborn genetic diseases. Last evaluated: 2024-09-10. Review status: criteria provided, single submitter. Criteria: Ambry Variant Classification Scheme 2023. Collection method: clinical testing. Allele origin: germline.
Comment: The c.309_313delCTTCGinsT (p.F104Cfs*18) alteration, located in exon 4 (coding exon 4) of the SLC2A1 gene, consists of a deletion of 5 and insertion of 1 nucleotides causing a translational frameshift at position 309 with a predicted alternate stop codon after 18 amino acids. This alteration is expected to result in loss of function by premature protein truncation or nonsense-mediated mRNA decay. This variant was not reported in population-based cohorts in the Genome Aggregation Database (gnomAD). Based on the available evidence, this alteration is classified as pathogenic.

NM_006516.4(SLC2A1):c.309_313delinsT (p.Phe104fs)

Gene: SLC2A1 (solute carrier family 2 member 1; minus strand). Cytogenetic location: 1p34.2.
Variant type: Indel.
Coding change: c.309_313delinsT on transcript NM_006516.4 (MANE Select); coding-DNA positions 309 to 313, CTTCG replaced by T.
Protein change: p.Phe104fs; shifts the reading frame from phenylalanine 104.
Molecular consequence: frameshift variant.
Genome position (GRCh38, 1-based): chr1:42,930,829-42,930,833, CGAAG replaced by A on the plus strand (CTTCG replaced by T on the coding strand, the reverse complement: SLC2A1 is on the minus strand). VCF-style: chr1-42930829-CGAAG-A. GRCh37 (hg19) VCF-style: chr1-43396500-CGAAG-A.
Other names: short protein forms F104fs.
Identifiers: ClinVar variation 3443782 (VCV003443782.1).